The following is an entry in ClinVar:

NM_001379500.1(COL18A1):c.3756C>G (p.Pro1252=)

Genes: COL18A1 (collagen type XVIII alpha 1 chain; plus strand), SLC19A1 (solute carrier family 19 member 1; minus strand). Cytogenetic location: 21q22.3.
Variant type: single nucleotide variant.
Coding change: c.3756C>G on transcript NM_001379500.1 (MANE Select); coding-DNA position 3756, C replaced by G.
Protein change: p.Pro1252=; no amino-acid change (proline 1252 retained).
Molecular consequence: synonymous variant.
Genome position (GRCh38, 1-based): chr21:45,511,173, C>G. VCF-style: chr21-45511173-C-G. GRCh37 (hg19) VCF-style: chr21-46931087-C-G.
Other names: c.4287C>G, p.Pro1429= (NM_030582.4); c.4992C>G, p.Pro1664= (NM_130444.3).
Identifiers: ClinVar variation 3357574 (VCV003357574.1).

ClinVar aggregate classification (germline): Likely benign (0 of 4 stars; one submission).

Conditions:
COL18A1-related disorder. Also called: COL18A1-related condition; COL18A1-related disorders.

gnomAD v4.1: 1 of 1,601,636 alleles (0.000062%); highest among the groups gnomAD compares: South Asian, 0.0011%; no homozygotes.

Submission:

PreventionGenetics, part of Exact Sciences
Classification: Likely benign for COL18A1-related condition. Last evaluated: 2024-09-23. Review status: no assertion criteria provided. Collection method: clinical testing. Allele origin: germline.
Comment: This variant is classified as likely benign based on ACMG/AMP sequence variant interpretation guidelines (Richards et al. 2015 PMID: 25741868, with internal and published modifications).